The following is an entry in ClinVar:

ClinVar aggregate classification (germline): Pathogenic. Review status: criteria provided, multiple submitters, no conflicts (2 of 4 stars). 2 submissions from 2 submitters: Pathogenic (2). Last evaluated 2026-03-01.

Conditions:
Neurofibromatosis, type 1 (NF1). Also called: NEUROFIBROMATOSIS, TYPE I, SOMATIC; Peripheral type neurofibromatosis; Neurofibromatosis, type I; VON RECKLINGHAUSEN DISEASE. Identifiers: Orphanet 636, MedGen C0027831, MONDO:0018975, OMIM 162200. Disease mechanism: loss of function.

Submissions (2):

CeGaT Center for Human Genetics Tuebingen
Classification: Pathogenic. Last evaluated: 2026-03-01. Review status: criteria provided, single submitter. Criteria: CeGaT Center For Human Genetics Tuebingen Variant Classification Criteria Version 2. Collection method: clinical testing. Allele origin: germline. Affected: yes. Observed: 1 variant allele.
Comment: NF1: PVS1, PM2, PS4:Supporting

UAB Medical Genomics Laboratory, UAB Medicine
Classification: Pathogenic for Neurofibromatosis, type 1. Last evaluated: 2020-01-20. Review status: criteria provided, single submitter. Criteria: ACMG Guidelines, 2015. Collection method: clinical testing. Allele origin: germline. Affected: yes.

Literature cited by the submitters: PubMed 32126153 (cited by UAB Medical Genomics Laboratory, UAB Medicine).

NM_001042492.3(NF1):c.3975-11T>G

Gene: NF1 (neurofibromin 1; plus strand). Cytogenetic location: 17q11.2.
Variant type: single nucleotide variant.
Coding change: c.3975-11T>G on transcript NM_001042492.3 (MANE Select); 11 bases into the intron before coding-DNA position 3975, T replaced by G.
Molecular consequence: intron variant.
Genome position (GRCh38, 1-based): chr17:31,248,973, T>G. VCF-style: chr17-31248973-T-G. GRCh37 (hg19) VCF-style: chr17-29575991-T-G.
Other names: c.3975-11T>G (NM_000267.4).
Identifiers: ClinVar variation 816762 (VCV000816762.6), dbSNP rs1597734976, ClinGen allele CA915949959.
Genomic context (GRCh38, chr17:31,248,973, plus strand): 5'-TCTTTTAAGGAGTGATTTTTGTTATTTGTTTTAAACAAAAGTGTTAGGATTTTATTTTTA[T>G]TTTTTTGTAGGTTAGAACCATCAGAGAGCCTTGAGGAAAACCAGCGGAACCTCCTTCAGA-3'